The following is an entry in ClinVar:

ClinVar aggregate classification (germline): Likely pathogenic (1 of 4 stars; one submission).

Conditions:
Gorlin syndrome. Also called: Basal cell nevus syndrome; Nevoid Basal Cell Carcinoma Syndrome. Identifiers: Orphanet 377, MedGen C0004779, MONDO:0007187.

Submission:

Labcorp Genetics (formerly Invitae), Labcorp
Classification: Likely pathogenic for Gorlin syndrome. Last evaluated: 2022-06-29. Review status: criteria provided, single submitter. Criteria: Invitae Variant Classification Sherloc (09022015). Collection method: clinical testing. Allele origin: germline.
Comment: Experimental studies and prediction algorithms are not available or were not evaluated, and the functional significance of this variant is currently unknown. In summary, the currently available evidence indicates that the variant is pathogenic, but additional data are needed to prove that conclusively. Therefore, this variant has been classified as Likely Pathogenic. This variant has been observed in individual(s) with clinical features of basal cell nevus syndrome (Invitae). In at least one individual the variant was observed to be de novo. This variant, c.2305_2319del, results in the deletion of 5 amino acid(s) of the PTCH1 protein (p.Thr769_Asp773del), but otherwise preserves the integrity of the reading frame. This variant is not present in population databases (gnomAD no frequency).

NM_000264.5(PTCH1):c.2305_2319del (p.Thr769_Asp773del)

Genes: PTCH1 (patched 1; minus strand), LOC100507346 (uncharacterized LOC100507346; plus strand). Cytogenetic location: 9q22.32.
Variant type: Deletion.
Coding change: c.2305_2319del on transcript NM_000264.5 (MANE Select); coding-DNA positions 2305 to 2319, 15 bases deleted (ACCCGAGTGAGAGAC).
Protein change: p.Thr769_Asp773del.
Molecular consequence: inframe deletion. On other transcripts: non-coding transcript variant (1).
Genome position (GRCh38, 1-based): chr9:95,467,357-95,467,371, GTCTCTCACTCGGGT deleted on the plus strand (ACCCGAGTGAGAGAC on the coding strand, the reverse complement: PTCH1 is on the minus strand); deleting any 15 consecutive bases within chr9:95,467,357-95,467,372 gives the same sequence; the c. name uses the placement nearest the transcript's 3' end. VCF-style (leftmost placement, unchanged base first): chr9-95467356-CGTCTCTCACTCGGGT-C. GRCh37 (hg19) VCF-style: chr9-98229638-CGTCTCTCACTCGGGT-C.
Other names: c.2107_2121del, p.Thr703_Asp707del (NM_001083602.3); c.2302_2316del, p.Thr768_Asp772del (NM_001083603.3); c.1852_1866del, p.Thr618_Asp622del (NM_001083604.3, NM_001083605.3, NM_001083606.3 and 1 more transcripts); c.2149_2163del, p.Thr717_Asp721del (NM_001354918.2).
Identifiers: ClinVar variation 1996517 (VCV001996517.4), dbSNP rs2538133254, ClinGen allele CA2580080825.